The following is an entry in ClinVar:

ClinVar aggregate classification (germline): Benign/Likely benign. Review status: criteria provided, multiple submitters, no conflicts (2 of 4 stars). 10 submissions from 10 submitters: Benign (3); Likely benign (4). 3 of the submissions do not count toward it. Last evaluated 2026-02-01.

Conditions:
VPS13B-related disorder. Also called: VPS13B-related condition.
Cohen syndrome (COH1). Also called: Cutis verticis gyrata, retinitis pigmentosa, and sensorineural deafness; PEPPER SYNDROME. Identifiers: Orphanet 193, MedGen C0265223, MONDO:0008999, OMIM 216550.

Allele frequency attached by ClinVar (database versions not stated): gnomAD exomes 0.00022 and 0.00064; ExAC 0.00086; 1000 Genomes Project 0.00220; gnomAD 0.00248 and 0.00261; 1000 Genomes Project 30x 0.00250; ESP Exome Variant Server 0.00277; TOPMed 0.00281.
gnomAD v4.1: 717 of 1,611,106 alleles (0.045%); highest among the groups gnomAD compares: African/African-American, 0.86%; 6 homozygotes.

Submissions (10):

Labcorp Genetics (formerly Invitae), Labcorp
Classification: Benign for Cohen syndrome. Last evaluated: 2026-02-01. Review status: criteria provided, single submitter. Criteria: Invitae Variant Classification Sherloc (09022015). Collection method: clinical testing. Allele origin: germline.

Women's Health and Genetics/Laboratory Corporation of America, LabCorp
Classification: Likely benign. Last evaluated: 2026-01-23. Review status: criteria provided, single submitter. Criteria: LabCorp Variant Classification Summary - May 2015. Collection method: clinical testing. Allele origin: germline.

Blueprint Genetics
Classification: Likely benign. Last evaluated: 2024-11-20. Review status: criteria provided, single submitter. Criteria: ACMG Guidelines, 2015. Collection method: clinical testing. Allele origin: germline.

Clinical Genetics DNA and cytogenetics Diagnostics Lab, Erasmus MC, Erasmus Medical Center
Classification: Likely benign for Cohen syndrome. Last evaluated: 2017-07-06. Review status: criteria provided, single submitter. Criteria: ACGS Guidelines, 2013. Collection method: clinical testing. Allele origin: germline. Affected: yes. Study: VKGL Data-share Consensus.

Genetic Services Laboratory, University of Chicago
Classification: Likely benign. Last evaluated: 2017-03-03. Review status: criteria provided, single submitter. Criteria: ACMG Guidelines, 2015. Collection method: clinical testing. Allele origin: germline. Affected: no.

Eurofins Ntd Llc (ga)
Classification: Benign. Last evaluated: 2015-07-27. Review status: criteria provided, single submitter. Criteria: EGL Classification Definitions 2015. Collection method: clinical testing. Allele origin: germline. Observed: 1 variant allele, 1 heterozygote.

Genome Diagnostics Laboratory, University Medical Center Utrecht
Classification: Benign for Cohen syndrome. Last evaluated: 2014-10-09. Review status: criteria provided, single submitter. Criteria: ACGS Guidelines, 2013. Collection method: clinical testing. Allele origin: germline. Affected: yes. Study: VKGL Data-share Consensus.

PreventionGenetics, part of Exact Sciences
Classification: Benign for VPS13B-related condition. Last evaluated: 2024-07-03. Review status: no assertion criteria provided. Collection method: clinical testing. Allele origin: germline. Not counted in ClinVar's aggregate classification.
Comment: This variant is classified as benign based on ACMG/AMP sequence variant interpretation guidelines (Richards et al. 2015 PMID: 25741868, with internal and published modifications).

Natera, Inc.
Classification: Likely benign for Cohen syndrome. Last evaluated: 2019-12-06. Review status: no assertion criteria provided. Collection method: clinical testing. Allele origin: germline. Not counted in ClinVar's aggregate classification.

Clinical Genetics, Academic Medical Center
Classification: Benign. Review status: no assertion criteria provided. Collection method: clinical testing. Allele origin: germline. Affected: yes. Study: VKGL Data-share Consensus. Not counted in ClinVar's aggregate classification.

NM_152564.5(VPS13B):c.9330+9A>G

Gene: VPS13B (vacuolar protein sorting 13 homolog B; plus strand). Cytogenetic location: 8q22.2.
Variant type: single nucleotide variant.
Coding change: c.9330+9A>G on transcript NM_152564.5 (MANE Select); 9 bases into the intron after coding-DNA position 9330, A replaced by G.
Molecular consequence: intron variant.
Genome position (GRCh38, 1-based): chr8:99,823,987, A>G. VCF-style: chr8-99823987-A-G. GRCh37 (hg19) VCF-style: chr8-100836215-A-G.
Other names: c.9405+9A>G (NM_017890.5); c.9330+9A>G (NM_152564.4).
Identifiers: ClinVar variation 130729 (VCV000130729.28), dbSNP rs184381851, ClinGen allele CA231649.